The following is an entry in ClinVar:

ClinVar aggregate classification (germline): Uncertain significance (1 of 4 stars; one submission).

Submission:

Labcorp Genetics (formerly Invitae), Labcorp
Classification: Uncertain significance. Last evaluated: 2022-07-05. Review status: criteria provided, single submitter. Criteria: Invitae Variant Classification Sherloc (09022015). Collection method: clinical testing. Allele origin: germline.
Comment: This sequence change replaces cysteine, which is neutral and slightly polar, with glycine, which is neutral and non-polar, at codon 1221 of the EYS protein (p.Cys1221Gly). This variant is not present in population databases (gnomAD no frequency). This variant has not been reported in the literature in individuals affected with EYS-related conditions. ClinVar contains an entry for this variant (Variation ID: 1043121). Algorithms developed to predict the effect of missense changes on protein structure and function (SIFT, PolyPhen-2, Align-GVGD) all suggest that this variant is likely to be disruptive. Algorithms developed to predict the effect of sequence changes on RNA splicing suggest that this variant may create or strengthen a splice site. In summary, the available evidence is currently insufficient to determine the role of this variant in disease. Therefore, it has been classified as a Variant of Uncertain Significance.

NM_001142800.2(EYS):c.3661T>G (p.Cys1221Gly)

Gene: EYS (eyes shut homolog; minus strand). Cytogenetic location: 6q12.
Variant type: single nucleotide variant.
Coding change: c.3661T>G on transcript NM_001142800.2 (MANE Select); coding-DNA position 3661, T replaced by G.
Protein change: p.Cys1221Gly; replaces cysteine 1221 with glycine.
Molecular consequence: missense variant.
Genome position (GRCh38, 1-based): chr6:64,617,441, A>C on the plus strand (T>G on the coding strand, the complement: EYS is on the minus strand). VCF-style: chr6-64617441-A-C. GRCh37 (hg19) VCF-style: chr6-65327334-A-C.
Other names: c.3661T>G, p.Cys1221Gly (NM_001292009.2); short protein forms C1221G.
Identifiers: ClinVar variation 1043121 (VCV001043121.6), dbSNP rs572419710, ClinGen allele CA364785017.